The following is an entry in ClinVar:

ClinVar aggregate classification (germline): Likely benign (1 of 4 stars; one submission).

Submission:

CeGaT Center for Human Genetics Tuebingen
Classification: Likely benign. Last evaluated: 2025-04-01. Review status: criteria provided, single submitter. Criteria: CeGaT Center For Human Genetics Tuebingen Variant Classification Criteria Version 2. Collection method: clinical testing. Allele origin: germline. Affected: yes. Observed: 1 variant allele.
Comment: KIF20B: PM2:Supporting, BP4, BP7

NM_001284259.2(KIF20B):c.4449G>A (p.Glu1483=)

Gene: KIF20B (kinesin family member 20B; plus strand). Cytogenetic location: 10q23.31.
Variant type: single nucleotide variant.
Coding change: c.4449G>A on transcript NM_001284259.2 (MANE Select); coding-DNA position 4449, G replaced by A.
Protein change: p.Glu1483=; no amino-acid change (glutamic acid 1483 retained).
Molecular consequence: synonymous variant. On other transcripts: non-coding transcript variant (2).
Genome position (GRCh38, 1-based): chr10:89,754,619, G>A. VCF-style: chr10-89754619-G-A. GRCh37 (hg19) VCF-style: chr10-91514376-G-A.
Other names: c.4236G>A, p.Glu1412= (NM_001382506.1); c.4329G>A, p.Glu1443= (NM_016195.4).
Identifiers: ClinVar variation 3898519 (VCV003898519.7).